The following is an entry in ClinVar:

ClinVar aggregate classification (germline): Uncertain significance (1 of 4 stars; one submission).

Submission:

GeneDx
Classification: Uncertain significance. Last evaluated: 2025-12-29. Review status: criteria provided, single submitter. Criteria: GeneDx Variant Classification Process June 2021. Collection method: clinical testing. Allele origin: germline. Affected: yes.
Comment: Not observed at significant frequency in large population cohorts (gnomAD); In silico analysis supports that this missense variant has a deleterious effect on protein structure/function; Has not been previously published as pathogenic or benign to our knowledge

NM_020795.4(NLGN2):c.548T>A (p.Leu183His)

Gene: NLGN2 (neuroligin 2; plus strand). Cytogenetic location: 17p13.1.
Variant type: single nucleotide variant.
Coding change: c.548T>A on transcript NM_020795.4 (MANE Select); coding-DNA position 548, T replaced by A.
Protein change: p.Leu183His; replaces leucine 183 with histidine.
Molecular consequence: missense variant.
Genome position (GRCh38, 1-based): chr17:7,414,383, T>A. VCF-style: chr17-7414383-T-A. GRCh37 (hg19) VCF-style: chr17-7317702-T-A.
Other names: short protein forms L183H.
Identifiers: ClinVar variation 3781125 (VCV003781125.2).